The following is an entry in ClinVar:

NM_000277.3(PAH):c.1084C>A (p.Pro362Thr)

Gene: PAH (phenylalanine hydroxylase; minus strand). Cytogenetic location: 12q23.2.
Variant type: single nucleotide variant.
Coding change: c.1084C>A on transcript NM_000277.3 (MANE Select); coding-DNA position 1084, C replaced by A.
Protein change: p.Pro362Thr; replaces proline 362 with threonine.
Molecular consequence: missense variant.
Genome position (GRCh38, 1-based): chr12:102,843,761, G>T on the plus strand (C>A on the coding strand, the complement: PAH is on the minus strand). VCF-style: chr12-102843761-G-T. GRCh37 (hg19) VCF-style: chr12-103237539-G-T.
Other names: c.1084C>A, p.Pro362Thr (NM_001354304.2); short protein forms P362T.
Identifiers: ClinVar variation 102515 (VCV000102515.8), dbSNP rs62507329, ClinGen allele CA229332.

ClinVar aggregate classification (germline): Pathogenic. Review status: criteria provided, single submitter (1 of 4 stars). 2 submissions from 2 submitters: Pathogenic (1). 1 of the submissions does not count toward it. Last evaluated 2026-01-02.

Conditions:
Phenylketonuria (PKU). Also called: Phenylketonuria (PKU); FOLLING DISEASE; OLIGOPHRENIA PHENYLPYRUVICA; Phenylketonurias. Identifiers: Orphanet 716, MedGen C0031485, MONDO:0009861, OMIM 261600. Disease mechanism: loss of function.

Submissions (2):

Labcorp Genetics (formerly Invitae), Labcorp
Classification: Pathogenic for Phenylketonuria. Last evaluated: 2026-01-02. Review status: criteria provided, single submitter. Criteria: Invitae Variant Classification Sherloc (09022015). Collection method: clinical testing. Allele origin: germline.
Comment: This sequence change replaces proline, which is neutral and non-polar, with threonine, which is neutral and polar, at codon 362 of the PAH protein (p.Pro362Thr). This variant is not present in population databases (gnomAD no frequency). This missense change has been observed in individuals with classical phenylketonuria (PMID: 32668217). This variant is also known as p.P362T. ClinVar contains an entry for this variant (Variation ID: 102515). Invitae Evidence Modeling of protein sequence and biophysical properties (such as structural, functional, and spatial information, amino acid conservation, physicochemical variation, residue mobility, and thermodynamic stability) indicates that this missense variant is not expected to disrupt PAH protein function with a negative predictive value of 80%. Experimental studies have shown that this missense change affects PAH function (PMID: 18247293). For these reasons, this variant has been classified as Pathogenic.

DeBelle Laboratory for Biochemical Genetics, MUHC/MCH RESEARCH INSTITUTE
No classification provided. Review status: no classification provided. Collection method: not provided. Allele origin: not provided. Not counted in ClinVar's aggregate classification.

Literature cited by the submitters: PubMed 32668217 (cited by Labcorp Genetics (formerly Invitae), Labcorp); PubMed 18247293 (cited by Labcorp Genetics (formerly Invitae), Labcorp).